The following is an entry in ClinVar:

ClinVar aggregate classification (germline): Uncertain significance (1 of 4 stars; one submission).

Conditions:
Developmental and epileptic encephalopathy, 36 (DEE36). Also called: Epileptic encephalopathy, early infantile, 36; ALG13-CDG; Congenital disorder of glycosylation, type Is. Identifiers: Orphanet 324422, MedGen C4317295, MONDO:0010472, OMIM 300884.

Submission:

Labcorp Genetics (formerly Invitae), Labcorp
Classification: Uncertain significance for Developmental and epileptic encephalopathy, 36. Last evaluated: 2022-07-20. Review status: criteria provided, single submitter. Criteria: Invitae Variant Classification Sherloc (09022015). Collection method: clinical testing. Allele origin: germline.
Comment: This variant has not been reported in the literature in individuals affected with ALG13-related conditions. Algorithms developed to predict the effect of missense changes on protein structure and function output the following: SIFT: "Tolerated"; PolyPhen-2: "Benign"; Align-GVGD: "Class C0". The serine amino acid residue is found in multiple mammalian species, which suggests that this missense change does not adversely affect protein function. In summary, the available evidence is currently insufficient to determine the role of this variant in disease. Therefore, it has been classified as a Variant of Uncertain Significance. This variant is not present in population databases (gnomAD no frequency). This sequence change replaces asparagine, which is neutral and polar, with serine, which is neutral and polar, at codon 521 of the ALG13 protein (p.Asn521Ser).

NM_001099922.3(ALG13):c.1562A>G (p.Asn521Ser)

Gene: ALG13 (ALG13 UDP-N-acetylglucosaminyltransferase subunit; plus strand). Cytogenetic location: Xq23.
Variant type: single nucleotide variant.
Coding change: c.1562A>G on transcript NM_001099922.3 (MANE Select); coding-DNA position 1562, A replaced by G.
Protein change: p.Asn521Ser; replaces asparagine 521 with serine.
Molecular consequence: missense variant.
Genome position (GRCh38, 1-based): chrX:111,723,859, A>G. VCF-style: chrX-111723859-A-G. GRCh37 (hg19) VCF-style: chrX-110967087-A-G.
Other names: c.1250A>G, p.Asn417Ser (NM_001257230.2, NM_001257234.2, NM_001257237.2); c.1328A>G, p.Asn443Ser (NM_001257231.2); c.1562A>G, p.Asn521Ser (NM_001324292.2); c.1076A>G, p.Asn359Ser (NM_001324293.1); short protein forms N359S, N417S, N443S, N521S.
Identifiers: ClinVar variation 1720206 (VCV001720206.6), dbSNP rs2525862374, ClinGen allele CA414252008.